The following is an entry in ClinVar:

NM_022489.4(INF2):c.1888-17G>A

Gene: INF2 (inverted formin 2; plus strand). Cytogenetic location: 14q32.33.
Variant type: single nucleotide variant.
Coding change: c.1888-17G>A on transcript NM_022489.4 (MANE Select); 17 bases into the intron before coding-DNA position 1888, G replaced by A.
Molecular consequence: intron variant.
Genome position (GRCh38, 1-based): chr14:104,708,654, G>A. VCF-style: chr14-104708654-G-A. GRCh37 (hg19) VCF-style: chr14-105174991-G-A.
Other names: c.1888-17G>A (NM_001426863.1, NM_001426865.1, NM_001426864.1 and 2 more transcripts).
Identifiers: ClinVar variation 3752871 (VCV003752871.2).

ClinVar aggregate classification (germline): Uncertain significance (1 of 4 stars; one submission).

Conditions:
Focal segmental glomerulosclerosis 5 (FSGS5). Identifiers: Orphanet 656, MedGen C2750475, MONDO:0013191, OMIM 613237.
Charcot-Marie-Tooth disease dominant intermediate E. Also called: CHARCOT-MARIE-TOOTH NEUROPATHY WITH FOCAL SEGMENTAL GLOMERULONEPHRITIS. Identifiers: Orphanet 93114, MedGen C4302667, MONDO:0013758, OMIM 614455.

Submission:

Labcorp Genetics (formerly Invitae), Labcorp
Classification: Uncertain significance for Charcot-Marie-Tooth disease dominant intermediate E; Focal segmental glomerulosclerosis 5. Last evaluated: 2026-01-05. Review status: criteria provided, single submitter. Criteria: Invitae Variant Classification Sherloc (09022015). Collection method: clinical testing. Allele origin: germline.
Comment: This sequence change falls in intron 9 of the INF2 gene. It does not directly change the encoded amino acid sequence of the INF2 protein. This variant is not present in population databases (gnomAD no frequency). This variant has not been reported in the literature in individuals affected with INF2-related conditions. ClinVar contains an entry for this variant (Variation ID: 3752871). Algorithms developed to predict the effect of sequence changes on RNA splicing suggest that this variant may disrupt the consensus splice site. In summary, the available evidence is currently insufficient to determine the role of this variant in disease. Therefore, it has been classified as a Variant of Uncertain Significance.